The following is an entry in ClinVar:

NM_005084.4(PLA2G7):c.835G>T (p.Val279Phe)

Gene: PLA2G7 (phospholipase A2 group VII; minus strand). Cytogenetic location: 6p12.3.
Variant type: single nucleotide variant.
Coding change: c.835G>T on transcript NM_005084.4 (MANE Select); coding-DNA position 835, G replaced by T.
Protein change: p.Val279Phe; replaces valine 279 with phenylalanine.
Molecular consequence: missense variant.
Genome position (GRCh38, 1-based): chr6:46,709,361, C>A on the plus strand (G>T on the coding strand, the complement: PLA2G7 is on the minus strand). VCF-style: chr6-46709361-C-A. GRCh37 (hg19) VCF-style: chr6-46677098-C-A.
Other names: c.835G>T, p.Val279Phe (NM_001168357.2); short protein forms V279F.
Identifiers: ClinVar variation 7914 (VCV000007914.7), dbSNP rs76863441, ClinGen allele CA119148.

ClinVar aggregate classification (germline): Benign. Review status: criteria provided, single submitter (1 of 4 stars). 4 submissions from 4 submitters: Benign (1). 3 of the submissions do not count toward it. Last evaluated 2020-02-24.

Conditions:
PLA2G7-related disorder. Also called: PLA2G7-related condition.
Platelet-activating factor acetylhydrolase deficiency (PAFAD). Identifiers: MedGen C3280315, MONDO:0013663, OMIM 614278, HP:0040175.

Allele frequency attached by ClinVar (database versions not stated): gnomAD 0.00131 and 0.00271; TOPMed 0.00232; gnomAD exomes 0.00455; ExAC 0.00485; 1000 Genomes Project 30x 0.01483; 1000 Genomes Project 0.01657.
gnomAD v4.1: 5,676 of 1,607,748 alleles (0.35%); highest among the groups gnomAD compares: East Asian, 12%; 399 homozygotes.

Submissions (4):

GeneDx
Classification: Benign. Last evaluated: 2020-02-24. Review status: criteria provided, single submitter. Criteria: GeneDx Variant Classification Process June 2021. Collection method: clinical testing. Allele origin: germline. Affected: yes.
Comment: This variant is associated with the following publications: (PMID: 21834908, 19373214, 20080080, 20185515, 19034521, 9472966, 21606947, 21490708, 20926117, 16086290, 8675689, 11916011, 10194471, 9759612, 9412624, 16787988, 26595893, 26791069, 31589614, 11248283)

Reproductive Health Research and Development, BGI Genomics
Classification: risk factor for Platelet-activating factor acetylhydrolase deficiency. Last evaluated: 2020-01-06. Review status: no assertion criteria provided. Collection method: curation. Allele origin: germline. Not counted in ClinVar's aggregate classification.
Comment: NM_005084.3:c.835G>T in the PLA2G7 gene has an allele frequency of 0.056 in East Asian subpopulation in the gnomAD database, including 41 homozygous occurrences. This variant has been reported as a genetic risk factor for stroke, asthma and cardiovascular disease (PMID: 9412624, 10194471, 16787988). Taken together, we interprete this variant as risk factor variant.

PreventionGenetics, part of Exact Sciences
Classification: Benign for PLA2G7-related condition. Last evaluated: 2019-06-18. Review status: no assertion criteria provided. Collection method: clinical testing. Allele origin: germline. Not counted in ClinVar's aggregate classification.
Comment: This variant is classified as benign based on ACMG/AMP sequence variant interpretation guidelines (Richards et al. 2015 PMID: 25741868, with internal and published modifications).

OMIM
Classification: Pathogenic for PLATELET-ACTIVATING FACTOR ACETYLHYDROLASE DEFICIENCY. Last evaluated: 2006-09-01. Review status: no assertion criteria provided. Collection method: literature only. Allele origin: germline. Not counted in ClinVar's aggregate classification.

Literature cited by the submitters: PubMed 8675689 (cited by OMIM); PubMed 9412624 (cited by OMIM); PubMed 10194471 (cited by OMIM); PubMed 16787988 (cited by OMIM).